The following is an entry in ClinVar:

NM_001134665.3(TRMT10A):c.388G>A (p.Ala130Thr)

Gene: TRMT10A (tRNA methyltransferase 10A; minus strand). Cytogenetic location: 4q23.
Variant type: single nucleotide variant.
Coding change: c.388G>A on transcript NM_001134665.3 (MANE Select); coding-DNA position 388, G replaced by A.
Protein change: p.Ala130Thr; replaces alanine 130 with threonine.
Molecular consequence: missense variant.
Genome position (GRCh38, 1-based): chr4:99,557,377, C>T on the plus strand (G>A on the coding strand, the complement: TRMT10A is on the minus strand). VCF-style: chr4-99557377-C-T. GRCh37 (hg19) VCF-style: chr4-100478534-C-T.
Other names: c.388G>A, p.Ala130Thr (NM_001134666.3, NM_001375880.1, NM_001375881.1 and 2 more transcripts); short protein forms A130T.
Identifiers: ClinVar variation 1029187 (VCV001029187.1), dbSNP rs149241895, ClinGen allele CA3021546.

ClinVar aggregate classification (germline): Uncertain significance (1 of 4 stars; one submission).

Conditions:
Microcephaly, short stature, and impaired glucose metabolism 1 (MSSGM1). Identifiers: Orphanet 391408, MedGen C4014997, MONDO:0000208, OMIM 616033.

Allele frequency attached by ClinVar (database versions not stated): ExAC 0.00006; TOPMed 0.00006; ESP Exome Variant Server 0.00008; gnomAD 0.00008 and 0.00009; gnomAD exomes 0.00010; 1000 Genomes Project 30x 0.00031; 1000 Genomes Project 0.00040.
gnomAD v4.1: 126 of 1,613,384 alleles (0.0078%); highest among the groups gnomAD compares: South Asian, 0.049%; 1 homozygote.

Submission:

Baylor Genetics
Classification: Uncertain significance for Microcephaly, short stature, and impaired glucose metabolism 1. Last evaluated: 2019-01-20. Review status: criteria provided, single submitter. Criteria: ACMG Guidelines, 2015. Collection method: clinical testing. Allele origin: unknown. Affected: yes.
Comment: This variant was determined to be of uncertain significance according to ACMG Guidelines, 2015 [PMID:25741868].